The following is an entry in ClinVar:

NM_020458.4(TTC7A):c.932T>C (p.Phe311Ser)

Gene: TTC7A (tetratricopeptide repeat domain 7A; plus strand). Cytogenetic location: 2p21.
Variant type: single nucleotide variant.
Coding change: c.932T>C on transcript NM_020458.4 (MANE Select); coding-DNA position 932, T replaced by C.
Protein change: p.Phe311Ser; replaces phenylalanine 311 with serine.
Molecular consequence: missense variant. On other transcripts: intron variant (1).
Genome position (GRCh38, 1-based): chr2:46,994,445, T>C. VCF-style: chr2-46994445-T-C. GRCh37 (hg19) VCF-style: chr2-47221584-T-C.
Other names: c.932T>C, p.Phe311Ser (NM_001288951.2); c.830T>C, p.Phe277Ser (NM_001288953.2); c.-61-691T>C (NM_001288955.2); c.932T>C (NM_020458.2); short protein forms F277S, F311S.
Identifiers: ClinVar variation 1357625 (VCV001357625.8), dbSNP rs752035389, ClinGen allele CA1647412.

ClinVar aggregate classification (germline): Uncertain significance. Review status: criteria provided, multiple submitters, no conflicts (2 of 4 stars). 2 submissions from 2 submitters: Uncertain significance (2). Last evaluated 2025-08-23.

Conditions:
Inborn genetic diseases. Identifiers: MedGen C0950123, MeSH D030342.
Multiple gastrointestinal atresias. Also called: FAMILIAL INTESTINAL POLYATRESIA SYNDROME; Multiple intestinal atresia. Identifiers: Orphanet 2300, MedGen C0220744, MONDO:0009465.

Allele frequency attached by ClinVar (database versions not stated): gnomAD exomes 0.00004 and 0.00006; ExAC 0.00010.

Submissions (2):

Ambry Genetics
Classification: Uncertain significance for Inborn genetic diseases. Last evaluated: 2025-08-23. Review status: criteria provided, single submitter. Criteria: Ambry Variant Classification Scheme 2023. Collection method: clinical testing. Allele origin: germline.

Labcorp Genetics (formerly Invitae), Labcorp
Classification: Uncertain significance for Multiple gastrointestinal atresias. Last evaluated: 2022-07-19. Review status: criteria provided, single submitter. Criteria: Invitae Variant Classification Sherloc (09022015). Collection method: clinical testing. Allele origin: germline.
Comment: This sequence change replaces phenylalanine, which is neutral and non-polar, with serine, which is neutral and polar, at codon 311 of the TTC7A protein (p.Phe311Ser). This variant is present in population databases (rs752035389, gnomAD 0.05%). This variant has not been reported in the literature in individuals affected with TTC7A-related conditions. ClinVar contains an entry for this variant (Variation ID: 1357625). Algorithms developed to predict the effect of missense changes on protein structure and function (SIFT, PolyPhen-2, Align-GVGD) all suggest that this variant is likely to be tolerated. In summary, the available evidence is currently insufficient to determine the role of this variant in disease. Therefore, it has been classified as a Variant of Uncertain Significance.